The following is an entry in ClinVar:

NM_000548.5(TSC2):c.4627C>T (p.His1543Tyr)

Gene: TSC2 (TSC complex subunit 2; plus strand). Cytogenetic location: 16p13.3.
Variant type: single nucleotide variant.
Coding change: c.4627C>T on transcript NM_000548.5 (MANE Select); coding-DNA position 4627, C replaced by T.
Protein change: p.His1543Tyr; replaces histidine 1543 with tyrosine.
Molecular consequence: missense variant.
Genome position (GRCh38, 1-based): chr16:2,085,287, C>T. VCF-style: chr16-2085287-C-T. GRCh37 (hg19) VCF-style: chr16-2135288-C-T.
Other names: c.4426C>T, p.His1476Tyr (NM_001077183.3); c.4558C>T, p.His1520Tyr (NM_001114382.3); c.4318C>T, p.His1440Tyr (NM_001318827.2); c.4282C>T, p.His1428Tyr (NM_001318829.2); c.3895C>T, p.His1299Tyr (NM_001318831.2); c.4459C>T, p.His1487Tyr (NM_001318832.2); c.4429C>T, p.His1477Tyr (NM_001363528.2); c.4495C>T, p.His1499Tyr (NM_001370404.1); and 1 more; short protein forms H1543Y, H1476Y, H1487Y, H1499Y, H1520Y, H1428Y, H1477Y, H1299Y.
Identifiers: ClinVar variation 570564 (VCV000570564.13), dbSNP rs1567528890, ClinGen allele CA394304847.

ClinVar aggregate classification (germline): Uncertain significance. Review status: criteria provided, multiple submitters, no conflicts (2 of 4 stars). 3 submissions from 3 submitters: Uncertain significance (3). Last evaluated 2025-09-22.

Conditions:
Hereditary cancer-predisposing syndrome. Also called: Hereditary neoplastic syndrome; Neoplastic Syndromes, Hereditary; Hereditary Cancer Syndrome; Tumor predisposition. Identifiers: Orphanet 140162, MedGen C0027672, MeSH D009386, MONDO:0015356.
Tuberous sclerosis 2 (TSC2). Identifiers: Orphanet 805, MedGen C1860707, MONDO:0013199, OMIM 613254.

Submissions (3):

Ambry Genetics
Classification: Uncertain significance for Hereditary cancer-predisposing syndrome. Last evaluated: 2025-09-22. Review status: criteria provided, single submitter. Criteria: Ambry Variant Classification Scheme 2023. Collection method: clinical testing. Allele origin: germline.
Comment: The p.H1543Y variant (also known as c.4627C>T), located in coding exon 35 of the TSC2 gene, results from a C to T substitution at nucleotide position 4627. The histidine at codon 1543 is replaced by tyrosine, an amino acid with similar properties. This amino acid position is conserved. In addition, this alteration is predicted to be deleterious by in silico analysis. Since supporting evidence is limited at this time, the clinical significance of this alteration remains unclear.

Labcorp Genetics (formerly Invitae), Labcorp
Classification: Uncertain significance for Tuberous sclerosis 2. Last evaluated: 2023-12-24. Review status: criteria provided, single submitter. Criteria: Invitae Variant Classification Sherloc (09022015). Collection method: clinical testing. Allele origin: germline.
Comment: This sequence change replaces histidine, which is basic and polar, with tyrosine, which is neutral and polar, at codon 1543 of the TSC2 protein (p.His1543Tyr). This variant is not present in population databases (gnomAD no frequency). This variant has not been reported in the literature in individuals affected with TSC2-related conditions. ClinVar contains an entry for this variant (Variation ID: 570564). Advanced modeling of protein sequence and biophysical properties (such as structural, functional, and spatial information, amino acid conservation, physicochemical variation, residue mobility, and thermodynamic stability) performed at Invitae indicates that this missense variant is not expected to disrupt TSC2 protein function with a negative predictive value of 95%. In summary, the available evidence is currently insufficient to determine the role of this variant in disease. Therefore, it has been classified as a Variant of Uncertain Significance.

Sema4
Classification: Uncertain significance for Hereditary cancer-predisposing syndrome. Last evaluated: 2021-09-08. Review status: criteria provided, single submitter. Criteria: Sema4 Curation Guidelines. Collection method: curation. Allele origin: germline.
Comment: The TSC2 c.4627C>T (p.H1543Y) variant has not been reported in the literature to our knowledge. It was not observed in the large and broad cohorts of the Genome Aggregation Database (PMID: 32461654). The variant has been reported in ClinVar (Variation ID 570564). In silico tools suggest the impact of the variant on protein function is deleterious, though these predictions have not been confirmed by functional studies. The evidence is insufficient to meet ACMG/AMP criteria for classifying the variant as benign or pathogenic. Thus, the clinical significance of this variant is currently uncertain.